The following is an entry in ClinVar:

ClinVar aggregate classification (germline): Uncertain significance (1 of 4 stars; one submission).

Conditions:
Charcot-Marie-Tooth disease type 2. Also called: Charcot-Marie-Tooth type 2. Identifiers: Orphanet 64746, MedGen C0270914, MONDO:0018993.

Submission:

Labcorp Genetics (formerly Invitae), Labcorp
Classification: Uncertain significance for Charcot-Marie-Tooth disease type 2. Last evaluated: 2025-06-24. Review status: criteria provided, single submitter. Criteria: Invitae Variant Classification Sherloc (09022015). Collection method: clinical testing. Allele origin: germline.
Comment: This sequence change falls in intron 7 of the LMNA gene. It does not directly change the encoded amino acid sequence of the LMNA protein. This variant is not present in population databases (gnomAD no frequency). This variant has not been reported in the literature in individuals affected with LMNA-related conditions. Algorithms developed to predict the effect of sequence changes on RNA splicing suggest that this variant may create or strengthen a splice site. In summary, the available evidence is currently insufficient to determine the role of this variant in disease. Therefore, it has been classified as a Variant of Uncertain Significance.

NM_170707.4(LMNA):c.1380+17_1380+18insTAG

Gene: LMNA (lamin A/C; plus strand). Cytogenetic location: 1q22.
Variant type: Insertion.
Coding change: c.1380+17_1380+18insTAG on transcript NM_170707.4 (MANE Select); bases 17 to 18 of the intron after coding-DNA position 1380, TAG inserted.
Molecular consequence: intron variant.
Genome position: GRCh38 VCF-style: chr1-156136452-G-GGTA. GRCh37 (hg19) VCF-style: chr1-156106243-G-GGTA.
Other names: c.1380+17_1380+18insTAG (NM_001406983.1, NM_001282625.2, NM_001406984.1 and 6 more transcripts); c.822+17_822+18insTAG (NM_001407002.1, NM_001406993.1, NM_001407003.1 and 4 more transcripts); c.756+17_756+18insTAG (NM_001406999.1, NM_001407000.1, NM_001406994.1 and 1 more transcripts); c.1137+17_1137+18insTAG (NM_001406986.1, NM_001406987.1, NM_001282624.2); c.1044+17_1044+18insTAG (NM_001406989.1, NM_001257374.3, NM_001406998.1); c.1083+17_1083+18insTAG (NM_001406988.1).
Identifiers: ClinVar variation 4722037 (VCV004722037.1).